The following is an entry in ClinVar:

NM_001163435.3(TBCK):c.382-2A>G

Gene: TBCK (TBC1 domain containing kinase; minus strand). Cytogenetic location: 4q24.
Variant type: single nucleotide variant.
Coding change: c.382-2A>G on transcript NM_001163435.3 (MANE Select); the canonical splice acceptor site of the intron before coding-DNA position 382, A replaced by G.
Molecular consequence: splice acceptor variant. On other transcripts: intron variant (1).
Genome position (GRCh38, 1-based): chr4:106,260,512, T>C on the plus strand (A>G on the coding strand, the complement: TBCK is on the minus strand). VCF-style: chr4-106260512-T-C. GRCh37 (hg19) VCF-style: chr4-107181669-T-C.
Other names: c.382-2A>G (NM_001163436.4, NM_001163437.3); c.267-8505A>G (NM_033115.5); c.-236-2A>G (NM_001290768.2).
Identifiers: ClinVar variation 1488790 (VCV001488790.12), dbSNP rs903296221, ClinGen allele CA103416518.

ClinVar aggregate classification (germline): Pathogenic/Likely pathogenic. Review status: criteria provided, multiple submitters, no conflicts (2 of 4 stars). 4 submissions from 4 submitters: Pathogenic (3); Likely pathogenic (1). Last evaluated 2025-07-09.

Conditions:
Hypotonia, infantile, with psychomotor retardation and characteristic facies 3 (IHPRF3). Also called: TBCK-Related Neurodevelopmental Disorder. Identifiers: Orphanet 488632, MedGen C5567480, MONDO:0014823, OMIM 616900.

Allele frequency attached by ClinVar (database versions not stated): gnomAD exomes 0.00005; TOPMed 0.00003; gnomAD 0.00004 and 0.00005.
gnomAD v4.1: 46 of 1,148,006 alleles (0.004%); highest among the groups gnomAD compares: Non-Finnish European, 0.0051%; no homozygotes.

Submissions (4):

Labcorp Genetics (formerly Invitae), Labcorp
Classification: Pathogenic. Last evaluated: 2025-07-09. Review status: criteria provided, single submitter. Criteria: Invitae Variant Classification Sherloc (09022015). Collection method: clinical testing. Allele origin: germline.
Comment: This sequence change affects an acceptor splice site in intron 4 of the TBCK gene. It is expected to disrupt RNA splicing. Variants that disrupt the donor or acceptor splice site typically lead to a loss of protein function (PMID: 16199547), and loss-of-function variants in TBCK are known to be pathogenic (PMID: 27040692, 30103036). The frequency data for this variant in the population databases is considered unreliable, as metrics indicate poor data quality at this position in the gnomAD database. Disruption of this splice site has been observed in individual(s) with TBCK-related conditions (internal data). In at least one individual the data is consistent with being in trans (on the opposite chromosome) from a pathogenic variant. ClinVar contains an entry for this variant (Variation ID: 1488790). Algorithms developed to predict the effect of sequence changes on RNA splicing suggest that this variant may disrupt the consensus splice site. For these reasons, this variant has been classified as Pathogenic.

Broad Center for Mendelian Genomics, Broad Institute of MIT and Harvard
Classification: Likely pathogenic for Hypotonia, infantile, with psychomotor retardation and characteristic facies 3. Last evaluated: 2025-01-15. Review status: criteria provided, single submitter. Criteria: ACMG Guidelines, 2015. Collection method: curation. Allele origin: germline. Inheritance: Autosomal recessive inheritance.
Comment: The c.382-2A>G variant in TBCK has not been previously reported in the literature in individuals with TBCK-related intellectual disability syndrome, but has been identified in 0.005% (44/855818) of European (non-Finish) chromosomes by the Genome Aggregation Database (gnomAD; dbSNP ID: rs903296221). Although this variant has been seen in the general population in a heterozygous state, its frequency is low enough to be consistent with a recessive carrier frequency. This variant has also been reported in ClinVar (Variation ID: 1488790) and has been interpreted as likely pathogenic by Invitae. This variant is located in the 5' splice region. Computational tools predict a splicing impact, though this information is not predictive enough to determine pathogenicity. Loss of function of the TBCK gene is an established disease mechanism in autosomal recessive TBCK-related intellectual disability syndrome. In summary, although additional studies are required to fully establish its clinical significance, this variant is likely pathogenic for autosomal recessive TBCK-related intellectual disability syndrome. ACMG/AMP Criteria applied: PVS1, PM2_supporting (Richards 2015).

Women's Health and Genetics/Laboratory Corporation of America, LabCorp
Classification: Pathogenic for Hypotonia, infantile, with psychomotor retardation and characteristic facies 3. Last evaluated: 2025-01-03. Review status: criteria provided, single submitter. Criteria: LabCorp Variant Classification Summary - May 2015. Collection method: clinical testing. Allele origin: germline.
Comment: Variant summary: TBCK c.382-2A>G is located in a canonical splice-site and is predicted to affect mRNA splicing resulting in a significantly altered protein due to either exon skipping, shortening, or inclusion of intronic material. Variants that disrupt the consensus splice site are a relatively common cause of aberrant splicing and loss of TBCK function. Several computational tools predict a significant impact on normal splicing: Four predict the variant abolishes a 3' acceptor site. However, these predictions have yet to be confirmed by functional studies. The variant allele was found at a frequency of 4.7e-05 in 84572 control chromosomes. c.382-2A>G has been found in trans with a pathogenic variant in at least one individual affected with Hypotonia, Infantile, With Psychomotor Retardation And Characteristic Facies 3 (Labcorp Genetics (formerly Invitae)). This finding indicates that this varianat is likely to be associated with TBCK-associated disease. To out knowledge, no experimental evidence demonstrating its impact on protein function have been reported. ClinVar contains an entry for this variant (Variation ID: 1488790). Based on the evidence outlined above, the variant was classified as pathogenic.

Clinical Genetics and Genomics, Karolinska University Hospital
Classification: Pathogenic for Hypotonia, infantile, with psychomotor retardation and characteristic facies 3. Last evaluated: 2024-07-22. Review status: criteria provided, single submitter. Criteria: ACMG Guidelines, 2015. Collection method: clinical testing. Allele origin: paternal. Affected: yes.
Comment: This sequence change affects an acceptor splice site in intron 4 of the TBCK gene. Sequencing of cDNA shows exon skipping of exon 5 and loss-of-function variants in TBCK are known to be pathogenic (PMID: 27040692, 30103036). Disruption of this splice site has been observed in individual with TBCK-related conditions (Variation ID: 1488790). For these reasons, this variant has been classified as Pathogenic.

Literature cited by the submitters: PubMed 16199547 (cited by Labcorp Genetics (formerly Invitae), Labcorp); PubMed 27040692 (cited by Labcorp Genetics (formerly Invitae), Labcorp); PubMed 30103036 (cited by Labcorp Genetics (formerly Invitae), Labcorp).